The following is an entry in ClinVar:

ClinVar aggregate classification (germline): Uncertain significance (1 of 4 stars; one submission).

Conditions:
Gingival disorder. Also called: Gingival disease. Identifiers: MedGen C0017563, MONDO:0002021.

gnomAD v4.1: 13 of 1,614,196 alleles (0.00081%); highest among the groups gnomAD compares: Non-Finnish European, 0.00093%; no homozygotes.

Submission:

Labcorp Genetics (formerly Invitae), Labcorp
Classification: Uncertain significance for Gingival disorder. Last evaluated: 2024-08-27. Review status: criteria provided, single submitter. Criteria: Invitae Variant Classification Sherloc (09022015). Collection method: clinical testing. Allele origin: germline.
Comment: This sequence change replaces methionine, which is neutral and non-polar, with isoleucine, which is neutral and non-polar, at codon 304 of the FPR1 protein (p.Met304Ile). This variant is present in population databases (rs775336229, gnomAD 0.003%). This variant has not been reported in the literature in individuals affected with FPR1-related conditions. An algorithm developed to predict the effect of missense changes on protein structure and function outputs the following: PolyPhen-2: "Benign". The isoleucine amino acid residue is found in multiple mammalian species, which suggests that this missense change does not adversely affect protein function. Algorithms developed to predict the effect of sequence changes on RNA splicing suggest that this variant may create or strengthen a splice site. In summary, the available evidence is currently insufficient to determine the role of this variant in disease. Therefore, it has been classified as a Variant of Uncertain Significance.

NM_002029.4(FPR1):c.912G>A (p.Met304Ile)

Gene: FPR1 (formyl peptide receptor 1; minus strand). Cytogenetic location: 19q13.41.
Variant type: single nucleotide variant.
Coding change: c.912G>A on transcript NM_002029.4 (MANE Select); coding-DNA position 912, G replaced by A.
Protein change: p.Met304Ile; replaces methionine 304 with isoleucine.
Molecular consequence: missense variant.
Genome position (GRCh38, 1-based): chr19:51,746,083, C>T on the plus strand (G>A on the coding strand, the complement: FPR1 is on the minus strand). VCF-style: chr19-51746083-C-T. GRCh37 (hg19) VCF-style: chr19-52249336-C-T.
Other names: c.912G>A, p.Met304Ile (NM_001193306.2); short protein forms M304I.
Identifiers: ClinVar variation 3618450 (VCV003618450.2).